The following is an entry in ClinVar:

NC_000011.9:g.(?_117209303)_(117222724_?)dup

Gene: CEP164 (centrosomal protein 164; plus strand). Cytogenetic location: 11q23.3.
Variant type: Duplication.
Identifiers: ClinVar variation 1011521 (VCV001011521.5).

ClinVar aggregate classification (germline): Uncertain significance (1 of 4 stars; one submission).

Conditions:
Nephronophthisis 15 (NPHP15). Identifiers: Orphanet 3156, MedGen C3541853, MONDO:0013917, OMIM 614845.

Submission:

Labcorp Genetics (formerly Invitae), Labcorp
Classification: Uncertain significance for Nephronophthisis 15. Last evaluated: 2022-10-25. Review status: criteria provided, single submitter. Criteria: Invitae Variant Classification Sherloc (09022015). Collection method: clinical testing. Allele origin: germline.
Comment: This variant results in a copy number gain of the genomic region encompassing exon(s) 3-5 of the CEP164 gene. This region includes the initiator codon of the gene. This copy number gain extends beyond the assayed region for this gene and therefore may encompass additional genes. As the precise location of this event is unknown, it may be in tandem or it may be located elsewhere in the genome. This variant has not been reported in the literature in individuals affected with CEP164-related conditions. In summary, the available evidence is currently insufficient to determine the role of this variant in disease. Therefore, it has been classified as a Variant of Uncertain Significance.